The following is an entry in ClinVar:

ClinVar aggregate classification (germline): Likely benign. Review status: criteria provided, multiple submitters, no conflicts (2 of 4 stars). 2 submissions from 2 submitters: Likely benign (2). Last evaluated 2026-09-01.

gnomAD v4.1: 88 of 1,613,956 alleles (0.0055%); highest among the groups gnomAD compares: Non-Finnish European, 0.0064%; 1 homozygote.

Submissions (2):

CeGaT Center for Human Genetics Tuebingen
Classification: Likely benign. Last evaluated: 2026-09-01. Review status: criteria provided, single submitter. Criteria: CeGaT Center For Human Genetics Tuebingen Variant Classification Criteria Version 2. Collection method: clinical testing. Allele origin: germline. Affected: yes. Observed: 1 variant allele.
Comment: ZNF335: BP4, BP7

Labcorp Genetics (formerly Invitae), Labcorp
Classification: Likely benign. Last evaluated: 2024-02-14. Review status: criteria provided, single submitter. Criteria: Invitae Variant Classification Sherloc (09022015). Collection method: clinical testing. Allele origin: germline.

NM_022095.4(ZNF335):c.3624G>A (p.Thr1208=)

Gene: ZNF335 (zinc finger protein 335; minus strand). Cytogenetic location: 20q13.12.
Variant type: single nucleotide variant.
Coding change: c.3624G>A on transcript NM_022095.4 (MANE Select); coding-DNA position 3624, G replaced by A.
Protein change: p.Thr1208=; no amino-acid change (threonine 1208 retained).
Molecular consequence: synonymous variant.
Genome position (GRCh38, 1-based): chr20:45,949,845, C>T on the plus strand (G>A on the coding strand, the complement: ZNF335 is on the minus strand). VCF-style: chr20-45949845-C-T. GRCh37 (hg19) VCF-style: chr20-44578484-C-T.
Identifiers: ClinVar variation 3637099 (VCV003637099.3).